The following is an entry in ClinVar:

ClinVar aggregate classification (germline): Uncertain significance (1 of 4 stars; one submission).

Conditions:
Developmental and epileptic encephalopathy, 9 (DEE9). Also called: PCDH19-Related X-Linked Female-Limited Epilepsy with Mental Retardation; Early infantile epileptic encephalopathy 9; EPILEPSY, FEMALE-RESTRICTED, WITH MENTAL RETARDATION; JUBERG-HELLMAN SYNDROME. Identifiers: Orphanet 101039, Orphanet 2076, MedGen C1848137, MONDO:0010246, OMIM 300088. Disease mechanism: loss of function.

Allele frequency attached by ClinVar (database versions not stated): gnomAD exomes below 0.00001.

Submission:

Labcorp Genetics (formerly Invitae), Labcorp
Classification: Uncertain significance for Developmental and epileptic encephalopathy, 9. Last evaluated: 2024-02-24. Review status: criteria provided, single submitter. Criteria: Invitae Variant Classification Sherloc (09022015). Collection method: clinical testing. Allele origin: germline.
Comment: This sequence change replaces glycine, which is neutral and non-polar, with arginine, which is basic and polar, at codon 223 of the PCDH19 protein (p.Gly223Arg). This variant is not present in population databases (gnomAD no frequency). This variant has not been reported in the literature in individuals affected with PCDH19-related conditions. Advanced modeling of protein sequence and biophysical properties (such as structural, functional, and spatial information, amino acid conservation, physicochemical variation, residue mobility, and thermodynamic stability) performed at Invitae indicates that this missense variant is not expected to disrupt PCDH19 protein function with a negative predictive value of 95%. In summary, the available evidence is currently insufficient to determine the role of this variant in disease. Therefore, it has been classified as a Variant of Uncertain Significance.

NM_001184880.2(PCDH19):c.667G>C (p.Gly223Arg)

Gene: PCDH19 (protocadherin 19; minus strand). Cytogenetic location: Xq22.1.
Variant type: single nucleotide variant.
Coding change: c.667G>C on transcript NM_001184880.2 (MANE Select); coding-DNA position 667, G replaced by C.
Protein change: p.Gly223Arg; replaces glycine 223 with arginine.
Molecular consequence: missense variant.
Genome position (GRCh38, 1-based): chrX:100,407,931, C>G on the plus strand (G>C on the coding strand, the complement: PCDH19 is on the minus strand). VCF-style: chrX-100407931-C-G. GRCh37 (hg19) VCF-style: chrX-99662929-C-G.
Other names: c.667G>C, p.Gly223Arg (NM_020766.3, NM_001105243.2); short protein forms G223R.
Identifiers: ClinVar variation 2902665 (VCV002902665.3), dbSNP rs2520991381, ClinGen allele CA414008768.